The following is an entry in ClinVar:

NM_017570.5(OPLAH):c.2989C>T (p.Arg997Cys)

Gene: OPLAH (5-oxoprolinase, ATP-hydrolysing; minus strand). Cytogenetic location: 8q24.3.
Variant type: single nucleotide variant.
Coding change: c.2989C>T on transcript NM_017570.5 (MANE Select); coding-DNA position 2989, C replaced by T.
Protein change: p.Arg997Cys; replaces arginine 997 with cysteine.
Molecular consequence: missense variant.
Genome position (GRCh38, 1-based): chr8:144,053,012, G>A on the plus strand (C>T on the coding strand, the complement: OPLAH is on the minus strand). VCF-style: chr8-144053012-G-A. GRCh37 (hg19) VCF-style: chr8-145107915-G-A.
Other names: short protein forms R997C.
Identifiers: ClinVar variation 714717 (VCV000714717.19), dbSNP rs200620019, ClinGen allele CA4931267.

ClinVar aggregate classification (germline): Likely benign. Review status: criteria provided, multiple submitters, no conflicts (2 of 4 stars). 4 submissions from 4 submitters: Likely benign (3). 1 of the submissions does not count toward it. Last evaluated 2026-01-27.

Conditions:
5-Oxoprolinase deficiency (OPLAHD). Also called: 5-OXOPROLINURIA DUE TO 5-OXOPROLINASE DEFICIENCY. Identifiers: Orphanet 33572, MedGen C0268525, MONDO:0009825, OMIM 260005, HP:0040142.
OPLAH-related disorder. Also called: OPLAH-related condition.

Allele frequency attached by ClinVar (database versions not stated): ESP Exome Variant Server 0.00071; TOPMed 0.00098; 1000 Genomes Project 0.00100; 1000 Genomes Project 30x 0.00109.
gnomAD v4.1: 2,419 of 1,603,564 alleles (0.15%); highest among the groups gnomAD compares: South Asian, 0.17%; 4 homozygotes.

Submissions (4):

Labcorp Genetics (formerly Invitae), Labcorp
Classification: Likely benign for 5-Oxoprolinase deficiency. Last evaluated: 2026-01-27. Review status: criteria provided, single submitter. Criteria: Invitae Variant Classification Sherloc (09022015). Collection method: clinical testing. Allele origin: germline.

CeGaT Center for Human Genetics Tuebingen
Classification: Likely benign. Last evaluated: 2025-11-01. Review status: criteria provided, single submitter. Criteria: CeGaT Center For Human Genetics Tuebingen Variant Classification Criteria Version 2. Collection method: clinical testing. Allele origin: germline. Affected: yes. Observed: 1 variant allele.
Comment: OPLAH: BP4

Blueprint Genetics
Classification: Likely benign. Last evaluated: 2024-11-26. Review status: criteria provided, single submitter. Criteria: ACMG Guidelines, 2015. Collection method: clinical testing. Allele origin: germline.

PreventionGenetics, part of Exact Sciences
Classification: Likely benign for OPLAH-related condition. Last evaluated: 2023-06-02. Review status: no assertion criteria provided. Collection method: clinical testing. Allele origin: germline. Not counted in ClinVar's aggregate classification.
Comment: This variant is classified as likely benign based on ACMG/AMP sequence variant interpretation guidelines (Richards et al. 2015 PMID: 25741868, with internal and published modifications).